The following is an entry in ClinVar:

ClinVar aggregate classification (germline): Benign. Review status: criteria provided, multiple submitters, no conflicts (2 of 4 stars). 4 submissions from 4 submitters: Benign (4). Last evaluated 2026-01-14.

Conditions:
Ichthyosis bullosa of Siemens (IBS). Also called: Superficial epidermolytic ichthyosis. Identifiers: Orphanet 455, MedGen C0432306, MONDO:0007813, OMIM 146800.

Allele frequency attached by ClinVar (database versions not stated): ESP Exome Variant Server 0.00008; gnomAD exomes 0.00154 and 0.00748; gnomAD 0.00268 and 0.00270; 1000 Genomes Project 0.00419; 1000 Genomes Project 30x 0.00515; TOPMed 0.00558; ExAC 0.00568.
gnomAD v4.1: 2,639 of 1,605,578 alleles (0.16%); highest among the groups gnomAD compares: Admixed American, 4.1%; 74 homozygotes.

Submissions (4):

Labcorp Genetics (formerly Invitae), Labcorp
Classification: Benign. Last evaluated: 2026-01-14. Review status: criteria provided, single submitter. Criteria: Invitae Variant Classification Sherloc (09022015). Collection method: clinical testing. Allele origin: germline.

GeneDx
Classification: Benign. Last evaluated: 2021-05-04. Review status: criteria provided, single submitter. Criteria: GeneDx Variant Classification Process June 2021. Collection method: clinical testing. Allele origin: germline. Affected: yes.

Illumina Laboratory Services, Illumina
Classification: Benign for Ichthyosis bullosa of Siemens. Last evaluated: 2018-01-12. Review status: criteria provided, single submitter. Criteria: ICSL Variant Classification Criteria 13 December 2019. Collection method: clinical testing. Allele origin: germline.
Comment: This variant was observed in the ICSL laboratory as part of a predisposition screen in an ostensibly healthy population. It had not been previously curated by ICSL or reported in the Human Gene Mutation Database (HGMD: prior to June 1st, 2018), and was therefore a candidate for classification through an automated scoring system. Utilizing variant allele frequency, disease prevalence and penetrance estimates, and inheritance mode, an automated score was calculated to assess if this variant is too frequent to cause the disease. Based on the score and internal cut-off values, a variant classified as benign is not then subjected to further curation. The score for this variant resulted in a classification of benign for this disease.

Breakthrough Genomics
Classification: Benign. Review status: criteria provided, single submitter. Criteria: ACMG Guidelines, 2015. Collection method: not provided. Allele origin: germline. Inheritance: Autosomal dominant inheritance. Affected: yes.

NM_000423.3(KRT2):c.100C>T (p.Arg34Trp)

Gene: KRT2 (keratin 2; minus strand). Cytogenetic location: 12q13.13.
Variant type: single nucleotide variant.
Coding change: c.100C>T on transcript NM_000423.3 (MANE Select); coding-DNA position 100, C replaced by T.
Protein change: p.Arg34Trp; replaces arginine 34 with tryptophan.
Molecular consequence: missense variant.
Genome position (GRCh38, 1-based): chr12:52,652,043, G>A on the plus strand (C>T on the coding strand, the complement: KRT2 is on the minus strand). VCF-style: chr12-52652043-G-A. GRCh37 (hg19) VCF-style: chr12-53045827-G-A.
Other names: short protein forms R34W.
Identifiers: ClinVar variation 779152 (VCV000779152.15), dbSNP rs35460418, ClinGen allele CA6585969.